The following is an entry in ClinVar:

ClinVar aggregate classification (germline): Pathogenic (1 of 4 stars; one submission).

Submission:

Labcorp Genetics (formerly Invitae), Labcorp
Classification: Pathogenic. Last evaluated: 2023-07-17. Review status: criteria provided, single submitter. Criteria: Invitae Variant Classification Sherloc (09022015). Collection method: clinical testing. Allele origin: germline.
Comment: For these reasons, this variant has been classified as Pathogenic. This variant has not been reported in the literature in individuals affected with LCT-related conditions. This variant is not present in population databases (gnomAD no frequency). This sequence change creates a premature translational stop signal (p.Leu248*) in the LCT gene. It is expected to result in an absent or disrupted protein product. Loss-of-function variants in LCT are known to be pathogenic (PMID: 16400612, 25881162).

Literature cited by the submitters: PubMed 16400612; PubMed 25881162.

NM_002299.4(LCT):c.742_743del (p.Ser247_Leu248insTer)

Gene: LCT (lactase; minus strand). Cytogenetic location: 2q21.3.
Variant type: Microsatellite.
Coding change: c.742_743del on transcript NM_002299.4 (MANE Select); coding-DNA positions 742 to 743, 2 bases deleted (CT; older notation c.742_743delCT).
Protein change: p.Ser247_Leu248insTer.
Molecular consequence: nonsense.
Genome position (GRCh38, 1-based): chr2:135,829,654-135,829,655, AG deleted on the plus strand (CT on the coding strand, the reverse complement: LCT is on the minus strand); deleting any 2 consecutive bases within chr2:135,829,654-135,829,661 gives the same sequence; the c. name uses the placement nearest the transcript's 3' end. VCF-style (leftmost placement, unchanged base first): chr2-135829653-AAG-A. GRCh37 (hg19) VCF-style: chr2-136587223-AAG-A.
Identifiers: ClinVar variation 2104544 (VCV002104544.4), dbSNP rs2467247833, ClinGen allele CA2580611691.